The following is an entry in ClinVar:

ClinVar aggregate classification (germline): Uncertain significance (1 of 4 stars; one submission).

gnomAD v4.1: 2 of 1,555,116 alleles (0.00013%); highest among the groups gnomAD compares: Non-Finnish European, 0.00017%; no homozygotes.

Submission:

Labcorp Genetics (formerly Invitae), Labcorp
Classification: Uncertain significance. Last evaluated: 2024-02-02. Review status: criteria provided, single submitter. Criteria: Invitae Variant Classification Sherloc (09022015). Collection method: clinical testing. Allele origin: germline.
Comment: This sequence change falls in intron 13 of the TNNI3K gene. It does not directly change the encoded amino acid sequence of the TNNI3K protein. It affects a nucleotide within the consensus splice site. This variant is not present in population databases (gnomAD no frequency). This variant has not been reported in the literature in individuals affected with TNNI3K-related conditions. Variants that disrupt the consensus splice site are a relatively common cause of aberrant splicing (PMID: 17576681, 9536098). Algorithms developed to predict the effect of sequence changes on RNA splicing suggest that this variant is not likely to affect RNA splicing. In summary, the available evidence is currently insufficient to determine the role of this variant in disease. Therefore, it has been classified as a Variant of Uncertain Significance.

Literature cited by the submitters: PubMed 17576681; PubMed 9536098.

NM_015978.3(TNNI3K):c.1321+4C>A

Genes: FPGT-TNNI3K (FPGT-TNNI3K readthrough; plus strand), TNNI3K (TNNI3 interacting kinase; plus strand). Cytogenetic location: 1p31.1.
Variant type: single nucleotide variant.
Coding change: c.1321+4C>A on transcript NM_015978.3 (MANE Select); 4 bases into the intron after coding-DNA position 1321, C replaced by A.
Molecular consequence: intron variant.
Genome position (GRCh38, 1-based): chr1:74,367,968, C>A. VCF-style: chr1-74367968-C-A. GRCh37 (hg19) VCF-style: chr1-74833652-C-A.
Other names: c.1624+4C>A (NM_001112808.3, NM_001199327.2).
Identifiers: ClinVar variation 3681760 (VCV003681760.2).